The following is an entry in ClinVar:

ClinVar aggregate classification (germline): Uncertain significance (1 of 4 stars; one submission).

Allele frequency attached by ClinVar (database versions not stated): TOPMed 0.00002; gnomAD 0.00003.
gnomAD v4.1: 8 of 1,613,018 alleles (0.0005%); highest among the groups gnomAD compares: African/African-American, 0.008%; no homozygotes.

Submission:

Labcorp Genetics (formerly Invitae), Labcorp
Classification: Uncertain significance. Last evaluated: 2023-10-03. Review status: criteria provided, single submitter. Criteria: Invitae Variant Classification Sherloc (09022015). Collection method: clinical testing. Allele origin: germline.
Comment: This sequence change replaces leucine, which is neutral and non-polar, with phenylalanine, which is neutral and non-polar, at codon 10 of the MOCS2A protein (p.Leu10Phe). This variant is present in population databases (no rsID available, gnomAD 0.01%). This variant has not been reported in the literature in individuals affected with MOCS2A-related conditions. ClinVar contains an entry for this variant (Variation ID: 1935595). An algorithm developed to predict the effect of missense changes on protein structure and function (PolyPhen-2) suggests that this variant is likely to be disruptive. In summary, the available evidence is currently insufficient to determine the role of this variant in disease. Therefore, it has been classified as a Variant of Uncertain Significance.

NM_176806.4(MOCS2):c.30G>T (p.Leu10Phe)

Gene: MOCS2 (molybdenum cofactor synthesis 2; minus strand). Cytogenetic location: 5q11.2.
Variant type: single nucleotide variant.
Coding change: c.30G>T on transcript NM_176806.4 (MANE Plus Clinical); coding-DNA position 30, G replaced by T.
Protein change: p.Leu10Phe; replaces leucine 10 with phenylalanine.
Molecular consequence: missense variant. On other transcripts: 5 prime UTR variant (1).
Genome position (GRCh38, 1-based): chr5:53,108,632, C>A on the plus strand (G>T on the coding strand, the complement: MOCS2 is on the minus strand). VCF-style: chr5-53108632-C-A. GRCh37 (hg19) VCF-style: chr5-52404462-C-A.
Other names: c.-158G>T (NM_004531.5, NM_183418.1); short protein forms L10F.
Identifiers: ClinVar variation 1935595 (VCV001935595.4), dbSNP rs1314847100, ClinGen allele CA359694212.